The following is an entry in ClinVar:

NM_000441.2(SLC26A4):c.2015G>A (p.Gly672Glu)

Gene: SLC26A4 (solute carrier family 26 member 4; plus strand). Cytogenetic location: 7q22.3.
Variant type: single nucleotide variant.
Coding change: c.2015G>A on transcript NM_000441.2 (MANE Select); coding-DNA position 2015, G replaced by A.
Protein change: p.Gly672Glu; replaces glycine 672 with glutamic acid.
Molecular consequence: missense variant.
Genome position (GRCh38, 1-based): chr7:107,702,038, G>A. VCF-style: chr7-107702038-G-A. GRCh37 (hg19) VCF-style: chr7-107342483-G-A.
Other names: short protein forms G672E.
Identifiers: ClinVar variation 43532 (VCV000043532.44), dbSNP rs111033309, ClinGen allele CA261423.

ClinVar aggregate classification (germline): Pathogenic/Likely pathogenic. Review status: criteria provided, multiple submitters, no conflicts (2 of 4 stars). 18 submissions from 17 submitters: Pathogenic (12); Likely pathogenic (5). 1 of the submissions does not count toward it. Last evaluated 2026-05-01.

Conditions:
Rare genetic deafness. Identifiers: Orphanet 96210, MedGen C5680250.
SLC26A4-related disorder. Also called: SLC26A4-related condition; SLC26A4-related disorders.
Autosomal recessive nonsyndromic hearing loss 4 (DFNB4). Also called: FOXI1-Related Pendred Syndrome; KCNJ10-Related Pendred Syndrome; DEAFNESS, AUTOSOMAL RECESSIVE 4, WITH ENLARGED VESTIBULAR AQUEDUCT, DIGENIC; Deafness, autosomal recessive 4; Nonsyndromic enlarged vestibular aqueduct (NSEVA); NEUROSENSORY NONSYNDROMIC RECESSIVE DEAFNESS 4. Identifiers: Orphanet 90636, MedGen C3538946, MONDO:0010933, OMIM 600791.
Pendred syndrome (PDS). Also called: Pendred's syndrome; DEAFNESS WITH GOITER; GOITER-DEAFNESS SYNDROME; HYPOTHYROIDISM, CONGENITAL, DUE TO DYSHORMONOGENESIS, 2B; THYROID DYSHORMONOGENESIS 2B; THYROID HORMONOGENESIS, GENETIC DEFECT IN, 2B. Identifiers: Orphanet 705, MedGen C0271829, MONDO:0010134, OMIM 274600.
Hearing impairment. Also called: Impaired Hearing. Identifiers: MedGen C1384666, MONDO:0005365, HP:0000365.

Allele frequency attached by ClinVar (database versions not stated): ExAC 0.00006; gnomAD 0.00009 and 0.00010; TOPMed 0.00012; ESP Exome Variant Server 0.00023.

Submissions 1 to 15 of 18:

CeGaT Center for Human Genetics Tuebingen
Classification: Likely pathogenic. Last evaluated: 2026-05-01. Review status: criteria provided, single submitter. Criteria: CeGaT Center For Human Genetics Tuebingen Variant Classification Criteria Version 2. Collection method: clinical testing. Allele origin: germline. Affected: yes. Observed: 1 variant allele.
Comment: SLC26A4: PM2, PM3, PM5, PS3:Supporting

Labcorp Genetics (formerly Invitae), Labcorp
Classification: Pathogenic. Last evaluated: 2025-12-16. Review status: criteria provided, single submitter. Criteria: Invitae Variant Classification Sherloc (09022015). Collection method: clinical testing. Allele origin: germline.
Comment: This sequence change replaces glycine, which is neutral and non-polar, with glutamic acid, which is acidic and polar, at codon 672 of the SLC26A4 protein (p.Gly672Glu). This variant is present in population databases (rs111033309, gnomAD 0.01%). This missense change has been observed in individual(s) with SLC26A4-related conditions (PMID: 9618167, 11317356, 21366435). In at least one individual the data is consistent with being in trans (on the opposite chromosome) from a pathogenic variant. It has also been observed to segregate with disease in related individuals. ClinVar contains an entry for this variant (Variation ID: 43532). Invitae Evidence Modeling of protein sequence and biophysical properties (such as structural, functional, and spatial information, amino acid conservation, physicochemical variation, residue mobility, and thermodynamic stability) has been performed for this missense variant. However, the output from this modeling did not meet the statistical confidence thresholds required to predict the impact of this variant on SLC26A4 protein function. Experimental studies have shown that this missense change affects SLC26A4 function (PMID: 11932316). For these reasons, this variant has been classified as Pathogenic.

Natera, Inc.
Classification: Pathogenic for Pendred syndrome. Last evaluated: 2025-06-30. Review status: criteria provided, single submitter. Criteria: Natera Variant Classification Schema (03/2026). Collection method: clinical testing. Allele origin: germline.
Comment: The c.2015G>A variant in SLC26A4 is a missense variant predicted to cause substitution of glycine to glutamic acid at amino acid 672. This variant is rare in the general population with a frequency below the threshold expected for the associated phenotype(s). This variant has been observed in one or more individuals affected with the associated recessive disease, as either homozygous or compound heterozygous with a second variant (PMID: 11317356, 21366435, 23555729, 9618167). Additionally, this variant has been observed to segregate in affected family members (PMID: 11317356, 9618167). Given the available evidence, this variant is classified as Pathogenic.

Blueprint Genetics
Classification: Pathogenic for SLC26A4-related disorders. Last evaluated: 2024-04-17. Review status: criteria provided, single submitter. Criteria: ACMG Guidelines, 2015. Collection method: clinical testing. Allele origin: germline. Affected: yes. Observed: 5 variant alleles.

Fulgent Genetics
Classification: Pathogenic for Pendred syndrome; Autosomal recessive nonsyndromic hearing loss 4. Last evaluated: 2024-04-04. Review status: criteria provided, single submitter. Criteria: ACMG Guidelines, 2015. Collection method: clinical testing. Allele origin: germline.

Baylor Genetics
Classification: Pathogenic for Autosomal recessive nonsyndromic hearing loss 4. Last evaluated: 2024-03-28. Review status: criteria provided, single submitter. Criteria: ACMG Guidelines, 2015. Collection method: clinical testing. Allele origin: unknown.

GeneDx
Classification: Pathogenic. Last evaluated: 2022-12-28. Review status: criteria provided, single submitter. Criteria: GeneDx Variant Classification Process June 2021. Collection method: clinical testing. Allele origin: germline. Affected: yes.
Comment: Published functional studies demonstrate that the p.(G672E) variant abolishes normal protein function (Taylor et al., 2002); In silico analysis supports that this missense variant has a deleterious effect on protein structure/function; This variant is associated with the following publications: (PMID: 9618167, 11317356, 33199029, 21366435, 32165640, 11932316)

Women's Health and Genetics/Laboratory Corporation of America, LabCorp
Classification: Pathogenic for Pendred syndrome. Last evaluated: 2022-09-02. Review status: criteria provided, single submitter. Criteria: LabCorp Variant Classification Summary - May 2015. Collection method: clinical testing. Allele origin: germline.
Comment: Variant summary: SLC26A4 c.2015G>A (p.Gly672Glu) results in a non-conservative amino acid change located in the STAS domain of the encoded protein sequence. Five of five in-silico tools predict a damaging effect of the variant on protein function. The variant allele was found at a frequency of 6.4e-05 in 251180 control chromosomes. This frequency is not significantly higher than expected for a pathogenic variant in SLC26A4 causing Pendred Syndrome (6.4e-05 vs 0.0035), allowing no conclusion about variant significance. c.2015G>A has been reported in the literature in multiple individuals affected with Pendred Syndrome or hearing loss. These data indicate that the variant is very likely to be associated with disease. At least one publication reports experimental evidence evaluating an impact on protein function and showed that G672E abolished normal protein function at the cell surface (Taylor_2002). Seven clinical diagnostic laboratories have submitted clinical-significance assessments for this variant to ClinVar after 2014 without evidence for independent evaluation and all classified this variant as pathogenic/likely pathogenic. Based on the evidence outlined above, the variant was classified as pathogenic.

Greenwood Genetic Center Diagnostic Laboratories, Greenwood Genetic Center
Classification: Pathogenic for SLC26A4-related disorder. Last evaluated: 2022-07-25. Review status: criteria provided, single submitter. Criteria: ACMG Guidelines, 2015. Collection method: clinical testing. Allele origin: germline. Affected: yes.
Comment: PS3, PM2, PM3, PP1, PP3

Genetics and Molecular Pathology, SA Pathology
Classification: Pathogenic for Pendred syndrome. Last evaluated: 2022-02-21. Review status: criteria provided, single submitter. Criteria: ACMG Guidelines, 2015. Collection method: clinical testing. Allele origin: germline. Inheritance: Autosomal recessive inheritance. Affected: yes.

Genome-Nilou Lab
Classification: Likely pathogenic for Autosomal recessive nonsyndromic hearing loss 4. Last evaluated: 2021-09-05. Review status: criteria provided, single submitter. Criteria: ACMG Guidelines, 2015. Collection method: clinical testing. Allele origin: germline. Affected: no.

Genome-Nilou Lab
Classification: Likely pathogenic for Pendred syndrome. Last evaluated: 2021-09-05. Review status: criteria provided, single submitter. Criteria: ACMG Guidelines, 2015. Collection method: clinical testing. Allele origin: germline. Affected: no.

Molecular Diagnostics Lab, Nemours Children's Health, Delaware
Classification: Likely pathogenic for Pendred syndrome. Last evaluated: 2020-05-15. Review status: criteria provided, single submitter. Criteria: ACMG Guidelines, 2015. Collection method: clinical testing. Allele origin: unknown. Inheritance: Autosomal recessive inheritance. Observed: 2 variant alleles.

Cambridge Genomics Laboratory, East Genomic Laboratory Hub, NHS Genomic Medicine Service
Classification: Pathogenic for Hearing impairment. Last evaluated: 2020-02-01. Review status: criteria provided, single submitter. Criteria: ACGS Best Practice Guidelines for Variant Classification in Rare Disease 2020. Collection method: clinical testing. Allele origin: germline. Affected: yes. Observed: 1 variant allele.

Illumina Laboratory Services, Illumina
Classification: Pathogenic for Pendred syndrome. Last evaluated: 2019-01-10. Review status: criteria provided, single submitter. Criteria: ICSL Variant Classification Criteria 09 May 2019. Collection method: clinical testing. Allele origin: germline.
Comment: The SLC26A4 c.2015G>A (p.Gly672Glu) missense variant has been reported in two studies and is found in a total of seven probands from three families, including two in a homozygous state and five in a compound heterozygous state (Coyle et al. 1998; Campbell et al. 2011). All probands had clinical features of Pendred syndrome, including hearing loss and temporal bone abnormalities. The variant was absent from 150 control chromosomes and is reported at a frequency of 0.00035 in the European American population of the Exome Sequencing Project. Taylor et al. (2002) performed functional studies on the p.Gly672Glu variant and found that the localization of the variant protein to the membrane is partial, and the function of the protein that reached the cell surface was abolished. Based on the collective evidence, the p.Gly672Glu variant is classified as pathogenic for Pendred syndrome. This variant was observed by ICSL as part of a predisposition screen in an ostensibly healthy population.